The following is an entry in ClinVar:

NM_005591.4(MRE11):c.145G>A (p.Glu49Lys)

Gene: MRE11 (MRE11 double strand break repair nuclease; minus strand). Cytogenetic location: 11q21.
Variant type: single nucleotide variant.
Coding change: c.145G>A on transcript NM_005591.4 (MANE Select); coding-DNA position 145, G replaced by A.
Protein change: p.Glu49Lys; replaces glutamic acid 49 with lysine.
Molecular consequence: missense variant.
Genome position (GRCh38, 1-based): chr11:94,490,841, C>T on the plus strand (G>A on the coding strand, the complement: MRE11 is on the minus strand). VCF-style: chr11-94490841-C-T. GRCh37 (hg19) VCF-style: chr11-94224007-C-T.
Other names: c.145G>A, p.Glu49Lys (NM_001330347.2, NM_005590.4); short protein forms E49K.
Identifiers: ClinVar variation 2446996 (VCV002446996.2), dbSNP rs2496652386, ClinGen allele CA382380589.

ClinVar aggregate classification (germline): Uncertain significance (1 of 4 stars; one submission).

Conditions:
Hereditary cancer-predisposing syndrome. Also called: Neoplastic Syndromes, Hereditary; Hereditary Cancer Syndrome; Tumor predisposition; Hereditary neoplastic syndrome. Identifiers: Orphanet 140162, MedGen C0027672, MeSH D009386, MONDO:0015356.

Submission:

Ambry Genetics
Classification: Uncertain significance for Hereditary cancer-predisposing syndrome. Last evaluated: 2023-02-25. Review status: criteria provided, single submitter. Criteria: Ambry Variant Classification Scheme 2023. Collection method: clinical testing. Allele origin: germline.
Comment: The p.E49K variant (also known as c.145G>A), located in coding exon 2 of the MRE11A gene, results from a G to A substitution at nucleotide position 145. The glutamic acid at codon 49 is replaced by lysine, an amino acid with similar properties. This amino acid position is conserved. In addition, this alteration is predicted to be tolerated by in silico analysis. Since supporting evidence is limited at this time, the clinical significance of this alteration remains unclear.